The following continues an entry in ClinVar:

NM_000492.4(CFTR):c.3846G>A (p.Trp1282Ter)

ClinVar aggregate classification (germline): Pathogenic. Pathogenic (1).

Submissions 13 to 31 of 42:

ARUP Laboratories, Molecular Genetics and Genomics, ARUP Laboratories
Classification: Pathogenic for Cystic fibrosis. Last evaluated: 2025-04-14. Review status: criteria provided, single submitter. Criteria: ARUP Molecular Germline Variant Investigation Process 2024. Collection method: clinical testing. Allele origin: germline. Not counted in ClinVar's aggregate classification.
Comment: The CFTR c.3846G>A; p.Trp1282Ter variant (rs77010898) is reported in numerous individuals with cystic fibrosis and commonly associated with pancreatic insufficiency (see CFTR database, Kerem 1990, Shoshani 1992). This variant is also reported in ClinVar (Variation ID: 7129). It is observed in the general population with an overall allele frequency of 0.04% (121/282282 alleles) in the Genome Aggregation Database. This variant induces an early termination codon and is predicted to result in a truncated protein or mRNA subject to nonsense-mediated decay. Based on available information, this variant is considered to be pathogenic. References: CFTR2 database: Kerem BS et al. Identification of mutations in regions corresponding to the two putative nucleotide (ATP)-binding folds of the cystic fibrosis gene. Proc Natl Acad Sci U S A. 1990 Nov;87(21):8447-51. PMID: 2236053. Shoshani T et al. Association of a nonsense mutation (W1282X), the most common mutation in the Ashkenazi Jewish cystic fibrosis patients in Israel, with presentation of severe disease. Am J Hum Genet. 1992 Jan;50(1):222-8. PMID: 1370365.

Blueprint Genetics
Classification: Pathogenic for CFTR-related disorders. Last evaluated: 2024-10-14. Review status: criteria provided, single submitter. Criteria: ACMG Guidelines, 2015. Collection method: clinical testing. Allele origin: germline. Affected: yes. Observed: 5 variant alleles. Not counted in ClinVar's aggregate classification.

Dasa
Classification: Pathogenic. Last evaluated: 2024-08-14. Review status: criteria provided, single submitter. Criteria: DASA Assertion Criteria. Collection method: clinical testing. Allele origin: germline. Not counted in ClinVar's aggregate classification.
Comment: NM_000492.4(CFTR):c.3846G>A (p.Trp1282Ter) introduces a premature termination codon predicted to result in loss of normal protein function. Loss-of-function is an established mechanism of disease for this gene. Functional evidence supports a deleterious effect on the gene or gene product (PMID: 30803905; PMID: 32332735; PMID: 30602999; PMID: 31589614; PMID: 32429104). This variant has been recurrently observed in individuals with related phenotype (PMID: 30803905; PMID: 32332735; PMID: 30602999; PMID: 31589614; PMID: 32429104). The variant is present at low frequency in population datasets. Based on the available data, this variant is classified as pathogenic.

Baylor Genetics
Classification: Pathogenic for Bronchiectasis with or without elevated sweat chloride 1. Last evaluated: 2024-03-29. Review status: criteria provided, single submitter. Criteria: ACMG Guidelines, 2015. Collection method: clinical testing. Allele origin: unknown. Not counted in ClinVar's aggregate classification.

Baylor Genetics
Classification: Pathogenic for Cystic fibrosis. Last evaluated: 2024-02-09. Review status: criteria provided, single submitter. Criteria: ACMG Guidelines, 2015. Collection method: clinical testing. Allele origin: unknown. Not counted in ClinVar's aggregate classification.

Laboratory of Medical Genetics, National & Kapodistrian University of Athens
Classification: Pathogenic for Cystic fibrosis. Last evaluated: 2024-02-01. Review status: criteria provided, single submitter. Criteria: ACMG Guidelines, 2015. Collection method: curation. Allele origin: germline. Affected: no. Not counted in ClinVar's aggregate classification.

Revvity Omics, Revvity
Classification: Pathogenic. Last evaluated: 2023-12-08. Review status: criteria provided, single submitter. Criteria: ACMG Guidelines, 2015. Collection method: clinical testing. Allele origin: germline. Not counted in ClinVar's aggregate classification.

Mayo Clinic Laboratories, Mayo Clinic
Classification: Pathogenic. Last evaluated: 2023-07-12. Review status: criteria provided, single submitter. Criteria: ACMG Guidelines, 2015. Collection method: clinical testing. Allele origin: germline. Observed: 13 variant alleles. Not counted in ClinVar's aggregate classification.

Department of Pathology and Laboratory Medicine, Sinai Health System
Classification: Pathogenic for cystic fibrosis. Last evaluated: 2023-03-28. Review status: criteria provided, single submitter. Criteria: ACMG Guidelines, 2015. Collection method: research. Allele origin: germline. Not counted in ClinVar's aggregate classification.

AiLife Diagnostics
Classification: Pathogenic. Last evaluated: 2022-03-30. Review status: criteria provided, single submitter. Criteria: ACMG Guidelines, 2015. Collection method: clinical testing. Allele origin: germline. Affected: yes. Observed: 1 variant allele. Not counted in ClinVar's aggregate classification.

Sema4
Classification: Pathogenic for Hereditary pancreatitis. Last evaluated: 2021-05-12. Review status: criteria provided, single submitter. Criteria: Sema4 Curation Guidelines. Collection method: curation. Allele origin: germline. Not counted in ClinVar's aggregate classification.
Comment: The CFTR c.3846G>A (p.W1282X) variant has been reported as a common pathogenic variant in individuals with cystic fibrosis in the CFTR2 databases and in the literature(PMID: 32429104); This variant creates a premature stop codon at residue 1282 of the CFTR protein. At this location, this is predicted to cause nonsense-mediated decay and result in an absent protein (loss of function). Loss of function variants in CFTR are known to be pathogenic (PMID: 1695717). This variant was observed in 100/10360 chromosomes of the Ashkenazi Jewish subpopulation in the large and broad cohorts of the Genome Aggregation Database (PMID: 32461654) and has been reported in ClinVar (Variation ID 7129). Based on the current evidence available, this variant is interpreted as pathogenic.

Myriad Genetics, Inc.
Classification: Pathogenic for Cystic fibrosis. Last evaluated: 2019-10-18. Review status: criteria provided, single submitter. Criteria: Myriad Women's Health Autosomal Recessive and X-Linked Classification Criteria (2019). Collection method: clinical testing. Allele origin: unknown. Not counted in ClinVar's aggregate classification.
Comment: NM_000492.3(CFTR):c.3846G>A(W1282) is classified as pathogenic in the context of cystic fibrosis and is associated with the classic form of disease. Sources cited for classification include the following: PMID: 23974870. Classification of NM_000492.3(CFTR):c.3846G>A(W1282) is based on the following criteria: The variant causes a premature termination codon that is expected to be targeted by nonsense-mediated mRNA decay and is reported in individuals with the relevant phenotype. Please note: this variant was assessed in the context of healthy population screening.

Genome Diagnostics Laboratory, The Hospital for Sick Children
Classification: Pathogenic for Cystic fibrosis. Last evaluated: 2019-07-29. Review status: criteria provided, single submitter. Criteria: ACMG Guidelines, 2015. Collection method: clinical testing. Allele origin: germline. Not counted in ClinVar's aggregate classification.

Mendelics
Classification: Pathogenic for Cystic fibrosis. Last evaluated: 2018-11-05. Review status: criteria provided, single submitter. Criteria: Mendelics Assertion Criteria 2017. Collection method: clinical testing. Allele origin: unknown. Affected: yes. Not counted in ClinVar's aggregate classification.

Fulgent Genetics
Classification: Pathogenic for Hereditary pancreatitis; Bronchiectasis with or without elevated sweat chloride 1; Cystic fibrosis; Congenital bilateral aplasia of vas deferens from CFTR mutation. Last evaluated: 2018-10-31. Review status: criteria provided, single submitter. Criteria: ACMG Guidelines, 2015. Collection method: clinical testing. Allele origin: unknown. Not counted in ClinVar's aggregate classification.

Illumina Laboratory Services, Illumina
Classification: Pathogenic for CFTR-Related Disorders. Last evaluated: 2018-09-18. Review status: criteria provided, single submitter. Criteria: ICSL Variant Classification Criteria 09 May 2019. Collection method: clinical testing. Allele origin: germline. Not counted in ClinVar's aggregate classification.
Comment: The CFTR c.3846G>A (p.Trp1282Ter) variant is a stop-gained variant that is predicted to result in a premature termination of the protein. The variant was first reported by Vidaud et al. (1990) in one patient with cystic fibrosis who was a compound heterozygote for the p.Trp1282Ter variant and the common pathogenic p.Phe508del variant. Shoshani et al. (1992) later reported the p.Trp1282Ter variant on 63 chromosomes from 119 Israeli cystic fibrosis patients from 97 families, establishing the p.Trp1282Ter variant as the most common cystic fibrosis variant in the Ashkenazi Jewish population in Israel. Zielenski et al. (1995) published data from the Cystic Fibrosis Genetic Analysis Consortium showing that the p.Trp1282Ter variant appears in 535 of 43,849 CF chromosomes, with an overall frequency of 1.2%, and is the fifth most common disease-causing mutation in cystic fibrosis. ACMG guidelines published in 2004 recommend the p.Trp1282Ter variant be included in standard cystic fibrosis carrier screening. The variant is reported at a frequency of 0.00897 in the Ashkenazi Jewish population of the Genome Aggregation Database. Based on the collective evidence, the p.Trp1282Ter variant is classified as pathogenic for CFTR-related disorders. This variant was observed by ICSL as part of a predisposition screen in an ostensibly healthy population.

GeneDx
Classification: Pathogenic. Last evaluated: 2018-07-12. Review status: criteria provided, single submitter. Criteria: GeneDx Variant Classification (06012015). Collection method: clinical testing. Allele origin: germline. Affected: yes. Not counted in ClinVar's aggregate classification.
Comment: The W1282X pathogenic variant in the CFTR gene is one of the most common variants associated with classic cystic fibrosis, including pancreatic insufficiency, when found in a homozygous state or when compound heterozygous with another CFTR pathogenic variant (Moskowitz et al., 2008; Kerem et al., 1990). This variant is predicted to cause loss of normal protein function either through protein truncation or nonsense-mediated mRNA decay. W1282X was not observed at any significant frequency in approximately 6500 individuals of European and African American ancestry by the NHLBI Exome Sequencing Project, indicating it is not a common benign variant in these populations. The pathogenic variant was not present in the homozygous state within this population. We interpret W1282X as a pathogenic variant.

CFTR-France
Classification: Pathogenic for cystic fibrosis. Last evaluated: 2018-01-29. Review status: criteria provided, single submitter. Criteria: Claustres M et al. (Hum Mutat 2017). Collection method: curation. Allele origin: germline. Affected: yes. Not counted in ClinVar's aggregate classification.

Eurofins Ntd Llc (ga)
Classification: Pathogenic. Last evaluated: 2018-01-25. Review status: criteria provided, single submitter. Criteria: EGL Classification Definitions 2015. Collection method: clinical testing. Allele origin: germline. Observed: 7 variant alleles, 7 heterozygotes. Not counted in ClinVar's aggregate classification.